The following is an entry in ClinVar:

ClinVar aggregate classification (germline): Pathogenic (1 of 4 stars; one submission).

Conditions:
Hereditary hemorrhagic telangiectasia (HHT). Also called: ORW DISEASE; Osler Weber Rendu syndrome; OSLER-RENDU-WEBER DISEASE; Osler hemorrhagic telangiectasia syndrome. Identifiers: Orphanet 774, MedGen C0039445, MONDO:0019180. Disease mechanism: loss of function.

Submission:

Labcorp Genetics (formerly Invitae), Labcorp
Classification: Pathogenic for Hereditary hemorrhagic telangiectasia. Last evaluated: 2021-10-31. Review status: criteria provided, single submitter. Criteria: Invitae Variant Classification Sherloc (09022015). Collection method: clinical testing. Allele origin: germline.
Comment: This variant is a gross deletion of the genomic region encompassing exon(s) 11-14 of the ENG gene, which includes the termination codon. This deletion extends beyond the assayed region for this gene and therefore may encompass additional genes. While this deletion is not anticipated to lead to nonsense mediated decay, it is expected to alter mRNA translation or result in a truncated protein product. A similar copy number variant has been observed in individual(s) with clinical features of hereditary hemorrhagic telangiectasia (Invitae). This variant disrupts a region of the ENG protein in which other variant(s) (p.Leu572*) have been determined to be pathogenic (PMID: 11440987; Invitae). This suggests that this is a clinically significant region of the protein, and that variants that disrupt it are likely to be disease-causing. For these reasons, this variant has been classified as Pathogenic.

Literature cited by the submitters: PubMed 11440987.

NC_000009.11:g.(?_130578196)_(130581131_?)del

Gene: ENG (endoglin; minus strand). Cytogenetic location: 9q34.11.
Variant type: Deletion.
Identifiers: ClinVar variation 2422376 (VCV002422376.1).